The following is an entry in ClinVar:

NM_000245.4(MET):c.2734A>G (p.Lys912Glu)

Gene: MET (MET proto-oncogene, receptor tyrosine kinase; plus strand). Cytogenetic location: 7q31.2.
Variant type: single nucleotide variant.
Coding change: c.2734A>G on transcript NM_000245.4 (MANE Select); coding-DNA position 2734, A replaced by G.
Protein change: p.Lys912Glu; replaces lysine 912 with glutamic acid.
Molecular consequence: missense variant.
Genome position (GRCh38, 1-based): chr7:116,771,501, A>G. VCF-style: chr7-116771501-A-G. GRCh37 (hg19) VCF-style: chr7-116411555-A-G.
Other names: c.2788A>G, p.Lys930Glu (NM_001127500.3); c.1444A>G, p.Lys482Glu (NM_001324402.2); short protein forms K930E, K482E, K912E.
Identifiers: ClinVar variation 4713250 (VCV004713250.1).

ClinVar aggregate classification (germline): Uncertain significance (1 of 4 stars; one submission).

Conditions:
Renal cell carcinoma. Identifiers: Orphanet 217071, MedGen C0007134, MeSH D002292, MONDO:0005086, HP:0005584.

Submission:

Labcorp Genetics (formerly Invitae), Labcorp
Classification: Uncertain significance for Renal cell carcinoma. Last evaluated: 2025-02-19. Review status: criteria provided, single submitter. Criteria: Invitae Variant Classification Sherloc (09022015). Collection method: clinical testing. Allele origin: germline.
Comment: This sequence change replaces lysine, which is basic and polar, with glutamic acid, which is acidic and polar, at codon 930 of the MET protein (p.Lys930Glu). This variant is not present in population databases (gnomAD no frequency). This variant has not been reported in the literature in individuals affected with MET-related conditions. An algorithm developed to predict the effect of missense changes on protein structure and function (PolyPhen-2) suggests that this variant is likely to be disruptive. In summary, the available evidence is currently insufficient to determine the role of this variant in disease. Therefore, it has been classified as a Variant of Uncertain Significance.